The following is an entry in ClinVar:

ClinVar aggregate classification (germline): Likely benign. Review status: criteria provided, multiple submitters, no conflicts (2 of 4 stars). 4 submissions from 4 submitters: Likely benign (3). 1 of the submissions does not count toward it. Last evaluated 2026-01-28.

Conditions:
DCAF17-related disorder. Also called: DCAF17-related condition.
Woodhouse-Sakati syndrome. Also called: Hypogonadism, Alopecia, Diabetes Mellitus, Mental Retardation, and Extrapyramidal Syndrome; Hypogonadism, diabetes mellitus, alopecia, mental retardation and electrocardiographic abnormalities; EXTRAPYRAMIDAL DISORDER, PROGRESSIVE, WITH PRIMARY HYPOGONADISM, MENTAL RETARDATION, AND ALOPECIA. Identifiers: Orphanet 3464, MedGen C0342286, MONDO:0009419, OMIM 241080.

Submissions (4):

Labcorp Genetics (formerly Invitae), Labcorp
Classification: Likely benign for Woodhouse-Sakati syndrome. Last evaluated: 2026-01-28. Review status: criteria provided, single submitter. Criteria: Invitae Variant Classification Sherloc (09022015). Collection method: clinical testing. Allele origin: germline.

Blueprint Genetics
Classification: Likely benign. Last evaluated: 2024-11-26. Review status: criteria provided, single submitter. Criteria: ACMG Guidelines, 2015. Collection method: clinical testing. Allele origin: germline.

GeneDx
Classification: Likely benign. Last evaluated: 2019-08-26. Review status: criteria provided, single submitter. Criteria: GeneDx Variant Classification Process June 2021. Collection method: clinical testing. Allele origin: germline. Affected: yes.

PreventionGenetics, part of Exact Sciences
Classification: Benign for DCAF17-related condition. Last evaluated: 2019-06-12. Review status: no assertion criteria provided. Collection method: clinical testing. Allele origin: germline. Not counted in ClinVar's aggregate classification.
Comment: This variant is classified as benign based on ACMG/AMP sequence variant interpretation guidelines (Richards et al. 2015 PMID: 25741868, with internal and published modifications).

NM_025000.4(DCAF17):c.322-15_322-14insTT

Gene: DCAF17 (DDB1 and CUL4 associated factor 17; plus strand). Cytogenetic location: 2q31.1.
Variant type: Insertion.
Coding change: c.322-15_322-14insTT on transcript NM_025000.4 (MANE Select); 15 bases into the intron before coding-DNA position 322 through 14 bases into the intron before coding-DNA position 322, TT inserted.
Molecular consequence: intron variant.
Genome position: GRCh38 VCF-style: chr2-171448665-C-CTT. GRCh37 (hg19) VCF-style: chr2-172305175-C-CTT.
Other names: c.322-15_322-14insTT (NM_001164821.2, NM_025000.3).
Identifiers: ClinVar variation 1152174 (VCV001152174.14), dbSNP rs139655160, ClinGen allele CA1964631.